The following is an entry in ClinVar:

NM_007103.4(NDUFV1):c.55C>T (p.Arg19Cys)

Gene: NDUFV1 (NADH:ubiquinone oxidoreductase core subunit V1; plus strand). Cytogenetic location: 11q13.2.
Variant type: single nucleotide variant.
Coding change: c.55C>T on transcript NM_007103.4 (MANE Select); coding-DNA position 55, C replaced by T.
Protein change: p.Arg19Cys; replaces arginine 19 with cysteine.
Molecular consequence: missense variant. On other transcripts: intron variant (1).
Genome position (GRCh38, 1-based): chr11:67,607,059, C>T. VCF-style: chr11-67607059-C-T. GRCh37 (hg19) VCF-style: chr11-67374530-C-T.
Other names: c.45+10C>T (NM_001166102.2); short protein forms R19C.
Identifiers: ClinVar variation 1477556 (VCV001477556.5), dbSNP rs753061638, ClinGen allele CA6143031.

ClinVar aggregate classification (germline): Uncertain significance (1 of 4 stars; one submission).

Allele frequency attached by ClinVar (database versions not stated): ExAC 0.00002; gnomAD exomes 0.00002 and 0.00003; TOPMed 0.00003.
gnomAD v4.1: 9 of 1,608,190 alleles (0.00056%); highest among the groups gnomAD compares: Admixed American, 0.015%; 1 homozygote.

Submission:

Labcorp Genetics (formerly Invitae), Labcorp
Classification: Uncertain significance. Last evaluated: 2024-11-05. Review status: criteria provided, single submitter. Criteria: Invitae Variant Classification Sherloc (09022015). Collection method: clinical testing. Allele origin: germline.
Comment: This sequence change replaces arginine, which is basic and polar, with cysteine, which is neutral and slightly polar, at codon 19 of the NDUFV1 protein (p.Arg19Cys). This variant is present in population databases (rs753061638, gnomAD 0.02%). This variant has not been reported in the literature in individuals affected with NDUFV1-related conditions. ClinVar contains an entry for this variant (Variation ID: 1477556). Invitae Evidence Modeling of protein sequence and biophysical properties (such as structural, functional, and spatial information, amino acid conservation, physicochemical variation, residue mobility, and thermodynamic stability) indicates that this missense variant is not expected to disrupt NDUFV1 protein function with a negative predictive value of 95%. In summary, the available evidence is currently insufficient to determine the role of this variant in disease. Therefore, it has been classified as a Variant of Uncertain Significance.